The following is an entry in ClinVar:

NM_001386795.1(DTNA):c.-1-25A>G

Genes: DTNA (dystrobrevin alpha; plus strand), DTNA-AS1 (DTNA antisense RNA 1; minus strand). Cytogenetic location: 18q12.1.
Variant type: single nucleotide variant.
Coding change: c.-1-25A>G on transcript NM_001386795.1 (MANE Select); 25 bases into the intron before 1 bases upstream of the start codon, A replaced by G.
Molecular consequence: intron variant.
Genome position (GRCh38, 1-based): chr18:34,755,951, A>G. VCF-style: chr18-34755951-A-G. GRCh37 (hg19) VCF-style: chr18-32335915-A-G.
Other names: c.-1-25A>G (NM_032975.4, NM_001386761.1, NM_001386762.1 and 33 more transcripts).
Identifiers: ClinVar variation 192362 (VCV000192362.4), dbSNP rs6650658, ClinGen allele CA333068.

ClinVar aggregate classification (germline): Benign. Review status: criteria provided, multiple submitters, no conflicts (2 of 4 stars). 2 submissions from 2 submitters: Benign (2). Last evaluated 2014-01-08.

Allele frequency attached by ClinVar (database versions not stated): 1000 Genomes Project 0.04792; ExAC 0.06444; gnomAD 0.08034 and 0.07652; ESP Exome Variant Server 0.08528; TOPMed 0.07590; 1000 Genomes Project 30x 0.04950; gnomAD exomes 0.06030.
gnomAD v4.1: 120,060 of 1,605,282 alleles (7.5%); highest among the groups gnomAD compares: African/African-American, 10%; 5,033 homozygotes.

Submissions (2):

GeneDx
Classification: Benign. Last evaluated: 2014-01-08. Review status: criteria provided, single submitter. Criteria: GeneDx Variant Classification (06012015). Collection method: clinical testing. Allele origin: germline. Affected: yes.
Comment: This variant is considered likely benign or benign based on one or more of the following criteria: it is a conservative change, it occurs at a poorly conserved position in the protein, it is predicted to be benign by multiple in silico algorithms, and/or has population frequency not consistent with disease.

Breakthrough Genomics
Classification: Benign. Review status: criteria provided, single submitter. Criteria: ACMG Guidelines, 2015. Collection method: not provided. Allele origin: germline. Inheritance: Autosomal dominant inheritance. Affected: yes.